The following is an entry in ClinVar:

ClinVar aggregate classification (germline): Pathogenic (1 of 4 stars; one submission).

Conditions:
Developmental and epileptic encephalopathy, 7 (DEE7). Also called: Early infantile epileptic encephalopathy 7; KCNQ2-Related Neonatal-Onset Developmental and Epileptic Encephalopathy (NEO-DEE); KCNQ2-Related Neonatal Epileptic Encephalopathy. Identifiers: Orphanet 439218, MedGen C3150986, MONDO:0013387, OMIM 613720.

Submission:

Victorian Clinical Genetics Services, Murdoch Childrens Research Institute
Classification: Pathogenic for Developmental and epileptic encephalopathy, 7. Last evaluated: 2023-07-17. Review status: criteria provided, single submitter. Criteria: ACMG Guidelines, 2015. Collection method: clinical testing. Allele origin: germline. Inheritance: Autosomal dominant inheritance. Affected: yes.
Comment: Based on the classification scheme VCGS_Germline_v1.3.4, this variant is classified as Pathogenic. Following criteria are met: 0103 - Dominant negative and loss of function are known mechanisms of disease in this gene and are associated with developmental and epileptic encephalopathy 7 (DEE; MIM#613720) and benign neonatal seizures, 1 (BFNS; MIM#121200), respectively (PMID: 20437616). There is currently no phenotypic correlation in terms of variant types or protein location (PMID: 31418850). (I) 0107 - This gene is associated with autosomal dominant disease. (I) 0112 - The condition associated with this gene has incomplete penetrance, however, this is only reported for patients with BFNS (PMID: 25959266). (I) 0200 - Variant is predicted to result in a missense amino acid change from alanine to glutamic acid. (I) 0251 - This variant is heterozygous. (I) 0301 - Variant is absent from gnomAD (both v2 and v3). (SP) 0501 - Missense variant consistently predicted to be damaging by multiple in silico tools or highly conserved with a major amino acid change. (SP) 0600 - Variant is located in the annotated pore domain (PMID: 26007637). (I) 0701 - Other missense variants comparable to the one identified in this case have very strong previous evidence for pathogenicity. p.(Ala294Val) has been classified as pathogenic by multiple clinical laboratories in ClinVar and has been reported in many patients with early onset epileptic encephalopathy in the literature (PMID: 26007637). p.(Ala294Gly) has been reported in one family with benign familial neonatal seizures (PMID: 17129708). (SP) 0807 - This variant has no previous evidence of pathogenicity. (I) 0905 - No published segregation evidence has been identified for this variant. (I) 1007 - No published functional evidence has been identified for this variant. (SP) Legend: (SP) - Supporting pathogenic, (I) - Information, (SB) - Supporting benign

Literature cited by the submitters: PubMed 17129708; PubMed 20437616; PubMed 25959266; PubMed 26007637; PubMed 31418850.

NM_172107.4(KCNQ2):c.881C>A (p.Ala294Glu)

Gene: KCNQ2 (potassium voltage-gated channel subfamily Q member 2; minus strand). Cytogenetic location: 20q13.33.
Variant type: single nucleotide variant.
Coding change: c.881C>A on transcript NM_172107.4 (MANE Select); coding-DNA position 881, C replaced by A.
Protein change: p.Ala294Glu; replaces alanine 294 with glutamic acid.
Molecular consequence: missense variant.
Genome position (GRCh38, 1-based): chr20:63,439,644, G>T on the plus strand (C>A on the coding strand, the complement: KCNQ2 is on the minus strand). VCF-style: chr20-63439644-G-T. GRCh37 (hg19) VCF-style: chr20-62070997-G-T.
Other names: c.881C>A, p.Ala294Glu (NM_001382235.1, NM_004518.6, NM_172106.3 and 2 more transcripts); short protein forms A294E.
Identifiers: ClinVar variation 3254540 (VCV003254540.1), dbSNP rs118192211.
Genomic context (GRCh38, chr20:63,439,644, plus strand): 5'-GCAGCTGGACTTACTGCAGGCAGCGCGAAGAAGGAGACACCGATGAGGGTGAAGGTTGCC[G>T]CAAGGAGCCTGCCGTTCCAGGTCTGGGGGTACTTGTCCCCGTAGCCAATGGTGGTCAGCG-3'
Protein context (NP_742105.1, residues 284-304): YPQTWNGRLL[Ala294Glu]ATFTLIGVSF